The following is an entry in ClinVar:

NM_000548.5(TSC2):c.4210A>C (p.Lys1404Gln)

Gene: TSC2 (TSC complex subunit 2; plus strand). Cytogenetic location: 16p13.3.
Variant type: single nucleotide variant.
Coding change: c.4210A>C on transcript NM_000548.5 (MANE Select); coding-DNA position 4210, A replaced by C.
Protein change: p.Lys1404Gln; replaces lysine 1404 with glutamine.
Molecular consequence: missense variant.
Genome position (GRCh38, 1-based): chr16:2,084,432, A>C. VCF-style: chr16-2084432-A-C. GRCh37 (hg19) VCF-style: chr16-2134433-A-C.
Other names: c.4009A>C, p.Lys1337Gln (NM_001077183.3); c.4141A>C, p.Lys1381Gln (NM_001114382.3); c.3901A>C, p.Lys1301Gln (NM_001318827.2); c.3865A>C, p.Lys1289Gln (NM_001318829.2); c.3478A>C, p.Lys1160Gln (NM_001318831.2); c.4042A>C, p.Lys1348Gln (NM_001318832.2); c.4012A>C, p.Lys1338Gln (NM_001363528.2); c.4078A>C, p.Lys1360Gln (NM_001370404.1); and 26 more; short protein forms K1137Q, K1138Q, K1160Q, K1180Q, K1181Q, K1184Q, K1204Q, K1288Q.
Identifiers: ClinVar variation 1720649 (VCV001720649.5), dbSNP rs1384101814, ClinGen allele CA394299945.

ClinVar aggregate classification (germline): Uncertain significance (1 of 4 stars; one submission).

Conditions:
Tuberous sclerosis 2 (TSC2). Identifiers: Orphanet 805, MedGen C1860707, MONDO:0013199, OMIM 613254.

Submission:

Labcorp Genetics (formerly Invitae), Labcorp
Classification: Uncertain significance for Tuberous sclerosis 2. Last evaluated: 2022-09-29. Review status: criteria provided, single submitter. Criteria: Invitae Variant Classification Sherloc (09022015). Collection method: clinical testing. Allele origin: germline.
Comment: This variant is not present in population databases (gnomAD no frequency). This sequence change replaces lysine, which is basic and polar, with glutamine, which is neutral and polar, at codon 1404 of the TSC2 protein (p.Lys1404Gln). In summary, the available evidence is currently insufficient to determine the role of this variant in disease. Therefore, it has been classified as a Variant of Uncertain Significance. Advanced modeling of protein sequence and biophysical properties (such as structural, functional, and spatial information, amino acid conservation, physicochemical variation, residue mobility, and thermodynamic stability) performed at Invitae indicates that this missense variant is not expected to disrupt TSC2 protein function. This variant has not been reported in the literature in individuals affected with TSC2-related conditions.